The following is an entry in ClinVar:

NM_000465.4(BARD1):c.2131A>C (p.Ser711Arg)

Gene: BARD1 (BRCA1 associated RING domain 1; minus strand). Cytogenetic location: 2q35.
Variant type: single nucleotide variant.
Coding change: c.2131A>C on transcript NM_000465.4 (MANE Select); coding-DNA position 2131, A replaced by C.
Protein change: p.Ser711Arg; replaces serine 711 with arginine.
Molecular consequence: missense variant. On other transcripts: non-coding transcript variant (3).
Genome position (GRCh38, 1-based): chr2:214,728,879, T>G on the plus strand (A>C on the coding strand, the complement: BARD1 is on the minus strand). VCF-style: chr2-214728879-T-G. GRCh37 (hg19) VCF-style: chr2-215593603-T-G.
Other names: c.2074A>C, p.Ser692Arg (NM_001282543.2); c.778A>C, p.Ser260Arg (NM_001282545.2); c.721A>C, p.Ser241Arg (NM_001282548.2); c.592A>C, p.Ser198Arg (NM_001282549.2); short protein forms S260R, S692R, S711R, S198R, S241R.
Identifiers: ClinVar variation 1786407 (VCV001786407.5), dbSNP rs564838936, ClinGen allele CA350450541.
Genomic context (GRCh38, chr2:214,728,879, plus strand): 5'-GCTGATCAGAATCGGGTCTCGCATGGTATGCGACTGTATTGATGGTCTGAGTCACGTCAC[T>G]GTCTGGCTTGGGCTTTCTACTGAGGATCTGGCCCCCACCTGCAGTGACGAGCTTAATAAG-3'
Protein context (NP_000456.2, residues 701-721): QILSRKPKPD[Ser711Arg]DVTQTINTVA

ClinVar aggregate classification (germline): Uncertain significance. Review status: criteria provided, multiple submitters, no conflicts (2 of 4 stars). 2 submissions from 2 submitters: Uncertain significance (2). Last evaluated 2025-11-18.

Conditions:
Hereditary cancer-predisposing syndrome. Also called: Neoplastic Syndromes, Hereditary; Tumor predisposition; Hereditary Cancer Syndrome; Hereditary neoplastic syndrome. Identifiers: Orphanet 140162, MedGen C0027672, MeSH D009386, MONDO:0015356.
Familial cancer of breast. Also called: BREAST CANCER, FAMILIAL; Hereditary breast cancer; hereditary breast carcinoma. Identifiers: Orphanet 227535, MedGen C0346153, MONDO:0016419, OMIM 114480. Disease mechanism: loss of function.

Submissions (2):

Labcorp Genetics (formerly Invitae), Labcorp
Classification: Uncertain significance for Familial cancer of breast. Last evaluated: 2025-11-18. Review status: criteria provided, single submitter. Criteria: Invitae Variant Classification Sherloc (09022015). Collection method: clinical testing. Allele origin: germline.
Comment: This sequence change replaces serine, which is neutral and polar, with arginine, which is basic and polar, at codon 711 of the BARD1 protein (p.Ser711Arg). This variant is not present in population databases (gnomAD no frequency). This variant has not been reported in the literature in individuals affected with BARD1-related conditions. ClinVar contains an entry for this variant (Variation ID: 1786407). An algorithm developed to predict the effect of missense changes on protein structure and function (PolyPhen-2) suggests that this variant is likely to be disruptive. In summary, the available evidence is currently insufficient to determine the role of this variant in disease. Therefore, it has been classified as a Variant of Uncertain Significance.

Ambry Genetics
Classification: Uncertain significance for Hereditary cancer-predisposing syndrome. Last evaluated: 2022-06-14. Review status: criteria provided, single submitter. Criteria: Ambry Variant Classification Scheme 2023. Collection method: clinical testing. Allele origin: germline.
Comment: The p.S711R variant (also known as c.2131A>C), located in coding exon 11 of the BARD1 gene, results from an A to C substitution at nucleotide position 2131. The serine at codon 711 is replaced by arginine, an amino acid with dissimilar properties. This amino acid position is highly conserved in available vertebrate species. In addition, the in silico prediction for this alteration is inconclusive. Since supporting evidence is limited at this time, the clinical significance of this alteration remains unclear.